The following is an entry in ClinVar:

NM_000179.3(MSH6):c.1914T>C (p.Leu638=)

Gene: MSH6 (mutS homolog 6; plus strand). Cytogenetic location: 2p16.3.
Variant type: single nucleotide variant.
Coding change: c.1914T>C on transcript NM_000179.3 (MANE Select); coding-DNA position 1914, T replaced by C.
Protein change: p.Leu638=; no amino-acid change (leucine 638 retained).
Molecular consequence: synonymous variant.
Genome position (GRCh38, 1-based): chr2:47,799,897, T>C. VCF-style: chr2-47799897-T-C. GRCh37 (hg19) VCF-style: chr2-48027036-T-C.
Other names: c.1524T>C, p.Leu508= (NM_001281492.2); c.1008T>C, p.Leu336= (NM_001281493.2, NM_001281494.2).
Identifiers: ClinVar variation 491888 (VCV000491888.22), dbSNP rs766310490, ClinGen allele CA068260.
Genomic context (GRCh38, chr2:47,799,897, plus strand): 5'-GGAAGGTCTGATACCCGGCTCCCAGTTTTGGGATGCATCCAAAACTTTGAGAACTCTCCT[T>C]GAGGAAGAATATTTTAGGGAAAAGCTAAGTGATGGCATTGGGGTGATGTTACCCCAGGTG-3'
Protein context (NP_000170.1, residues 628-648): WDASKTLRTL[Leu638=]EEEYFREKLS

ClinVar aggregate classification (germline): Benign/Likely benign. Review status: criteria provided, multiple submitters, no conflicts (2 of 4 stars). 7 submissions from 7 submitters: Benign (1); Likely benign (6). Last evaluated 2025-10-13.

Conditions:
Hereditary nonpolyposis colorectal neoplasms. Identifiers: MedGen C0009405, MeSH D003123.
Lynch syndrome. Identifiers: Orphanet 144, MedGen C4552100, MONDO:0005835. Disease mechanism: loss of function.
Lynch syndrome 5 (LYNCH5). Also called: Colorectal cancer, hereditary nonpolyposis, type 5; Hereditary non-polyposis colorectal cancer, type 5. Identifiers: Orphanet 144, MedGen C1833477, MONDO:0013710, OMIM 614350. Disease mechanism: loss of function.
Hereditary cancer-predisposing syndrome. Also called: Hereditary neoplastic syndrome; Tumor predisposition; Hereditary Cancer Syndrome; Neoplastic Syndromes, Hereditary. Identifiers: Orphanet 140162, MedGen C0027672, MeSH D009386, MONDO:0015356.

Allele frequency attached by ClinVar (database versions not stated): gnomAD exomes below 0.00001 and 0.00001; ExAC 0.00001.
gnomAD v4.1: 13 of 1,614,104 alleles (0.00081%); highest among the groups gnomAD compares: East Asian, 0.027%; 1 homozygote.

Submissions (7):

Labcorp Genetics (formerly Invitae), Labcorp
Classification: Likely benign for Hereditary nonpolyposis colorectal neoplasms. Last evaluated: 2025-10-13. Review status: criteria provided, single submitter. Criteria: Invitae Variant Classification Sherloc (09022015). Collection method: clinical testing. Allele origin: germline.

Myriad Genetics, Inc.
Classification: Benign for Lynch syndrome 5. Last evaluated: 2024-12-30. Review status: criteria provided, single submitter. Criteria: Myriad Autosomal Dominant, Autosomal Recessive and X-Linked Classification Criteria (2023). Collection method: clinical testing. Allele origin: unknown.
Comment: This variant is considered benign. This variant is a silent/synonymous amino acid change and it is not expected to impact splicing.

All of Us Research Program, National Institutes of Health
Classification: Likely benign for Lynch syndrome. Last evaluated: 2023-06-08. Review status: criteria provided, single submitter. Criteria: ACMG Guidelines, 2015. Collection method: clinical testing. Allele origin: germline. Inheritance: Autosomal dominant inheritance. Observed: 2 variant alleles, 2 heterozygotes.
Comment: This study involves interpretation of variants in research participants for the purpose of population health screening. Participant phenotype was not available at the time of variant classification. Additional details can be found in publication PMID: 35346344, PMCID: PMC8962531

Sema4
Classification: Likely benign for Hereditary cancer-predisposing syndrome. Last evaluated: 2022-03-21. Review status: criteria provided, single submitter. Criteria: Sema4 Curation Guidelines. Collection method: curation. Allele origin: germline.

Women's Health and Genetics/Laboratory Corporation of America, LabCorp
Classification: Likely benign. Last evaluated: 2020-01-31. Review status: criteria provided, single submitter. Criteria: LabCorp Variant Classification Summary - May 2015. Collection method: clinical testing. Allele origin: germline.

Ambry Genetics
Classification: Likely benign for Hereditary cancer-predisposing syndrome. Last evaluated: 2017-10-12. Review status: criteria provided, single submitter. Criteria: Ambry Variant Classification Scheme 2023. Collection method: clinical testing. Allele origin: germline.

Color Diagnostics, LLC DBA Color Health
Classification: Likely benign for Hereditary cancer-predisposing syndrome. Last evaluated: 2017-08-14. Review status: criteria provided, single submitter. Criteria: ACMG Guidelines, 2015. Collection method: clinical testing. Allele origin: germline.